The following is an entry in ClinVar:

NM_000218.3(KCNQ1):c.1514+9589del

Genes: KCNQ1 (potassium voltage-gated channel subfamily Q member 1; plus strand), KCNQ1OT1 (KCNQ1 opposite strand/antisense transcript 1; minus strand). Cytogenetic location: 11p15.5.
Variant type: Deletion.
Coding change: c.1514+9589del on transcript NM_000218.3 (MANE Select); 9589 bases into the intron after coding-DNA position 1514, one base deleted (A; older notation c.1514+9589delA).
Molecular consequence: intron variant. On other transcripts: non-coding transcript variant (1).
Genome position (GRCh38, 1-based): chr11:2,671,670, A deleted. VCF-style (leftmost placement, unchanged base first): chr11-2671669-CA-C. GRCh37 (hg19) VCF-style: chr11-2692899-CA-C.
Other names: c.1244+9589del (NM_001406837.1); c.1418+9589del (NM_001406836.1); c.974+9589del (NM_001406838.1); c.1133+9589del (NM_181798.2).
Identifiers: ClinVar variation 3059995 (VCV003059995.2), dbSNP rs5789260, ClinGen allele CA216178169.

ClinVar aggregate classification (germline): Benign (0 of 4 stars; one submission).

Conditions:
KCNQ1-related disorder. Also called: KCNQ1-related condition; KCNQ1-related disorders. Identifiers: MedGen CN239322.

Allele frequency attached by ClinVar (database versions not stated): TOPMed 0.25313; gnomAD 0.25975; gnomAD exomes 0.30013; 1000 Genomes Project 30x 0.32511; 1000 Genomes Project 0.33267.

Submission:

PreventionGenetics, part of Exact Sciences
Classification: Benign for KCNQ1-related condition. Last evaluated: 2019-08-12. Review status: no assertion criteria provided. Collection method: clinical testing. Allele origin: germline.
Comment: This variant is classified as benign based on ACMG/AMP sequence variant interpretation guidelines (Richards et al. 2015 PMID: 25741868, with internal and published modifications).